The following is an entry in ClinVar:

NM_021964.3(ZNF148):c.997T>G (p.Leu333Val)

Gene: ZNF148 (zinc finger protein 148; minus strand). Cytogenetic location: 3q21.2.
Variant type: single nucleotide variant.
Coding change: c.997T>G on transcript NM_021964.3 (MANE Select); coding-DNA position 997, T replaced by G.
Protein change: p.Leu333Val; replaces leucine 333 with valine.
Molecular consequence: missense variant.
Genome position (GRCh38, 1-based): chr3:125,233,729, A>C on the plus strand (T>G on the coding strand, the complement: ZNF148 is on the minus strand). VCF-style: chr3-125233729-A-C. GRCh37 (hg19) VCF-style: chr3-124952573-A-C.
Other names: c.997T>G, p.Leu333Val (NM_001348424.1, NM_001348425.2, NM_001348426.2 and 7 more transcripts); c.871T>G, p.Leu291Val (NM_001348434.2); c.997T>G (NM_021964.2); short protein forms L291V, L333V.
Identifiers: ClinVar variation 2445896 (VCV002445896.1), dbSNP rs1401234650, ClinGen allele CA354297713.

ClinVar aggregate classification (germline): Uncertain significance (1 of 4 stars; one submission).

Allele frequency attached by ClinVar (database versions not stated): gnomAD exomes below 0.00001; TOPMed below 0.00001; gnomAD 0.00001.
gnomAD v4.1: 3 of 1,613,692 alleles (0.00019%); highest among the groups gnomAD compares: African/African-American, 0.004%; no homozygotes.

Submission:

Women's Health and Genetics/Laboratory Corporation of America, LabCorp
Classification: Uncertain significance. Last evaluated: 2023-02-17. Review status: criteria provided, single submitter. Criteria: LabCorp Variant Classification Summary - May 2015. Collection method: clinical testing. Allele origin: germline.
Comment: Variant summary: ZNF148 c.997T>G (p.Leu333Val) results in a conservative amino acid change in the encoded protein sequence. Five of five in-silico tools predict a benign effect of the variant on protein function. The variant was absent in 250824 control chromosomes (gnomAD). The available data on variant occurrences in the general population are insufficient to allow any conclusion about variant significance. To our knowledge, no occurrence of c.997T>G in individuals affected with Global Developmental Delay, Absent Or Hypoplastic Corpus Callosum, And Dysmorphic Facies and no experimental evidence demonstrating its impact on protein function have been reported. No clinical diagnostic laboratories have submitted clinical-significance assessments for this variant to ClinVar after 2014. Based on the evidence outlined above, the variant was classified as uncertain significance.